The following is an entry in ClinVar:

NM_019098.5(CNGB3):c.1423dup (p.Val475fs)

Gene: CNGB3 (cyclic nucleotide gated channel subunit beta 3; minus strand). Cytogenetic location: 8q21.3.
Variant type: Duplication.
Coding change: c.1423dup on transcript NM_019098.5 (MANE Select); coding-DNA position 1423, one base duplicated (G; older notation c.1423dupG).
Protein change: p.Val475fs; shifts the reading frame from valine 475.
Molecular consequence: frameshift variant.
Genome position (GRCh38, 1-based): chr8:86,628,976, C duplicated on the plus strand (G on the coding strand, the reverse complement: CNGB3 is on the minus strand). VCF-style (leftmost placement, unchanged base first): chr8-86628975-A-AC. GRCh37 (hg19) VCF-style: chr8-87641203-A-AC.
Other names: short protein forms V475fs.
Identifiers: ClinVar variation 5012707 (VCV005012707.1).

ClinVar aggregate classification (germline): Pathogenic (1 of 4 stars; one submission).

Conditions:
Achromatopsia 3 (ACHM3). Also called: ACHROMATOPSIA WITH MYOPIA; PINGELAPESE BLINDNESS; TOTAL COLORBLINDNESS WITH MYOPIA; ROD MONOCHROMACY 1; ROD MONOCHROMATISM 1. Identifiers: Orphanet 49382, MedGen C1849792, MONDO:0009875, OMIM 262300.

Submission:

Myriad Genetics, Inc.
Classification: Pathogenic for Achromatopsia 3. Last evaluated: 2024-02-03. Review status: criteria provided, single submitter. Criteria: Myriad Autosomal Dominant, Autosomal Recessive and X-Linked Classification Criteria (2023). Collection method: clinical testing. Allele origin: unknown.
Comment: NM_019098.4(CNGB3):c.1423dupG(V475Gfs*10) is expected to be pathogenic in the context of achromatopsia, CNGB3-related. This variant is predicted to lead to an abnormal or absent protein product due to the creation of a premature termination codon in CNGB3, a gene where loss-of-function variants are known to be pathogenic. Please note: this variant was assessed in the context of healthy population screening.